The following is an entry in ClinVar:

NM_032043.3(BRIP1):c.1391C>A (p.Ala464Asp)

Gene: BRIP1 (BRCA1 interacting DNA helicase 1; minus strand). Cytogenetic location: 17q23.2.
Variant type: single nucleotide variant.
Coding change: c.1391C>A on transcript NM_032043.3 (MANE Select); coding-DNA position 1391, C replaced by A.
Protein change: p.Ala464Asp; replaces alanine 464 with aspartic acid.
Molecular consequence: missense variant.
Genome position (GRCh38, 1-based): chr17:61,793,679, G>T on the plus strand (C>A on the coding strand, the complement: BRIP1 is on the minus strand). VCF-style: chr17-61793679-G-T. GRCh37 (hg19) VCF-style: chr17-59871040-G-T.
Other names: short protein forms A464D.
Identifiers: ClinVar variation 2561938 (VCV002561938.2), dbSNP rs2145242765, ClinGen allele CA400482216.
Genomic context (GRCh38, chr17:61,793,679, plus strand): 5'-GTGGTGATACCCATTTTGTGTAAAGTTAAGAGCATTTCATTTCCACTCCATATTTTACAA[G>T]CTGATTCATAATCTCTTTCTACAAGATATTCAGCGTTTGCTTCTAACCAACTGAAATAAA-3'
Protein context (NP_114432.2, residues 454-474): EYLVERDYES[Ala464Asp]CKIWSGNEML

ClinVar aggregate classification (germline): Uncertain significance (1 of 4 stars; one submission).

Conditions:
Hereditary cancer-predisposing syndrome. Also called: Neoplastic Syndromes, Hereditary; Hereditary Cancer Syndrome; Hereditary neoplastic syndrome; Tumor predisposition. Identifiers: Orphanet 140162, MedGen C0027672, MeSH D009386, MONDO:0015356.

Submission:

Ambry Genetics
Classification: Uncertain significance for Hereditary cancer-predisposing syndrome. Last evaluated: 2023-03-21. Review status: criteria provided, single submitter. Criteria: Ambry Variant Classification Scheme 2023. Collection method: clinical testing. Allele origin: germline.
Comment: The p.A464D variant (also known as c.1391C>A), located in coding exon 9 of the BRIP1 gene, results from a C to A substitution at nucleotide position 1391. The alanine at codon 464 is replaced by aspartic acid, an amino acid with dissimilar properties. This amino acid position is conserved. In addition, this alteration is predicted to be tolerated by in silico analysis. Since supporting evidence is limited at this time, the clinical significance of this alteration remains unclear.